The following is an entry in ClinVar:

NM_032482.3(DOT1L):c.4155_4156insAGC (p.Arg1385_Gly1386insSer)

Gene: DOT1L (DOT1 like histone lysine methyltransferase; plus strand). Cytogenetic location: 19p13.3.
Variant type: Insertion.
Coding change: c.4155_4156insAGC on transcript NM_032482.3 (MANE Select); coding-DNA positions 4155 to 4156, AGC inserted.
Protein change: p.Arg1385_Gly1386insSer.
Molecular consequence: inframe insertion.
Genome position: GRCh38 VCF-style: chr19-2226674-C-CGCA. GRCh37 (hg19) VCF-style: chr19-2226673-C-CGCA.
Other names: c.4155_4156insAGC, p.Arg1385_Gly1386insSer (NM_001411141.1).
Identifiers: ClinVar variation 2648965 (VCV002648965.24), dbSNP rs2512464561, ClinGen allele CA2695198108.

ClinVar aggregate classification (germline): Uncertain significance (1 of 4 stars; one submission).

Submission:

CeGaT Center for Human Genetics Tuebingen
Classification: Uncertain significance. Last evaluated: 2023-01-01. Review status: criteria provided, single submitter. Criteria: CeGaT Center For Human Genetics Tuebingen Variant Classification Criteria Version 2. Collection method: clinical testing. Allele origin: germline. Affected: yes. Observed: 1 variant allele.
Comment: DOT1L: PM2